The following is an entry in ClinVar:

ClinVar aggregate classification (germline): Uncertain significance (1 of 4 stars; one submission).

Conditions:
Inborn genetic diseases. Identifiers: MedGen C0950123, MeSH D030342.

Allele frequency attached by ClinVar (database versions not stated): gnomAD exomes below 0.00001; gnomAD 0.00001.
gnomAD v4.1: 11 of 1,614,172 alleles (0.00068%); highest among the groups gnomAD compares: Middle Eastern, 0.033%; no homozygotes.

Submission:

Ambry Genetics
Classification: Uncertain significance for Inborn genetic diseases. Last evaluated: 2025-01-09. Review status: criteria provided, single submitter. Criteria: Ambry Variant Classification Scheme 2023. Collection method: clinical testing. Allele origin: germline.
Comment: The p.V1471M variant (also known as c.4411G>A), located in coding exon 13 of the ASXL1 gene, results from a G to A substitution at nucleotide position 4411. The valine at codon 1471 is replaced by methionine, an amino acid with highly similar properties. This amino acid position is conserved. In addition, this alteration is predicted to be tolerated by in silico analysis. Based on the available evidence, the clinical significance of this variant remains unclear.

NM_015338.6(ASXL1):c.4411G>A (p.Val1471Met)

Gene: ASXL1 (ASXL transcriptional regulator 1; plus strand). Cytogenetic location: 20q11.21.
Variant type: single nucleotide variant.
Coding change: c.4411G>A on transcript NM_015338.6 (MANE Select); coding-DNA position 4411, G replaced by A.
Protein change: p.Val1471Met; replaces valine 1471 with methionine.
Molecular consequence: missense variant.
Genome position (GRCh38, 1-based): chr20:32,437,123, G>A. VCF-style: chr20-32437123-G-A. GRCh37 (hg19) VCF-style: chr20-31024926-G-A.
Other names: c.4228G>A, p.Val1410Met (NM_001363734.1); short protein forms V1410M, V1471M.
Identifiers: ClinVar variation 2263265 (VCV002263265.3), dbSNP rs779516123, ClinGen allele CA313926391.